The following is an entry in ClinVar:

NM_021956.5(GRIK2):c.1926T>G (p.Phe642Leu)

Gene: GRIK2 (glutamate ionotropic receptor kainate type subunit 2; plus strand). Cytogenetic location: 6q16.3.
Variant type: single nucleotide variant.
Coding change: c.1926T>G on transcript NM_021956.5 (MANE Select); coding-DNA position 1926, T replaced by G.
Protein change: p.Phe642Leu; replaces phenylalanine 642 with leucine.
Molecular consequence: missense variant.
Genome position (GRCh38, 1-based): chr6:101,928,473, T>G. VCF-style: chr6-101928473-T-G. GRCh37 (hg19) VCF-style: chr6-102376348-T-G.
Other names: c.1926T>G, p.Phe642Leu (NM_001166247.1, NM_175768.3); short protein forms F642L.
Identifiers: ClinVar variation 4292057 (VCV004292057.1).

ClinVar aggregate classification (germline): Uncertain significance (1 of 4 stars; one submission).

Conditions:
Neurodevelopmental disorder with impaired language and ataxia and with or without seizures. Identifiers: MedGen C5562006, MONDO:0859201, OMIM 619580.

Submission:

3billion
Classification: Uncertain significance for Neurodevelopmental disorder with impaired language and ataxia and with or without seizures. Last evaluated: 2025-02-04. Review status: criteria provided, single submitter. Criteria: ACMG Guidelines, 2015. Collection method: clinical testing. Allele origin: germline. Affected: yes.
Comment: The variant is not observed in the gnomAD v4.1.0 dataset. Predicted Consequence/Location: Missense variant In silico tool predictions suggest damaging effect of the variant on gene or gene product [3Cnet: 0.68 (>=0.6, sensitivity 0.72 and precision 0.9)]. Therefore, this variant is classified as VUS according to the recommendation of ACMG/AMP guideline.